The following is an entry in ClinVar:

NM_033305.3(VPS13A):c.3483del (p.Thr1162fs)

Gene: VPS13A (vacuolar protein sorting 13 homolog A; plus strand). Cytogenetic location: 9q21.2.
Variant type: Deletion.
Coding change: c.3483del on transcript NM_033305.3 (MANE Select); coding-DNA position 3483, one base deleted (C; older notation c.3483delC).
Protein change: p.Thr1162fs; shifts the reading frame from threonine 1162.
Molecular consequence: frameshift variant.
Genome position (GRCh38, 1-based): chr9:77,293,484, C deleted. VCF-style (leftmost placement, unchanged base first): chr9-77293483-TC-T. GRCh37 (hg19) VCF-style: chr9-79908399-TC-T.
Other names: c.3366del, p.Thr1123fs (NM_001018037.2); c.3483del, p.Thr1162fs (NM_001018038.3, NM_015186.4); short protein forms T1123fs, T1162fs.
Identifiers: ClinVar variation 4816392 (VCV004816392.1).

ClinVar aggregate classification (germline): Likely pathogenic (1 of 4 stars; one submission).

Conditions:
VPS13A-related neurodegenerative disease. Also called: LEVINE-CRITCHLEY SYNDROME; Choreoacanthocytosis; Chorea-acanthocytosis; ACANTHOCYTOSIS WITH NEUROLOGIC DISORDER; VPS13A Disease; Choreaacanthocytosis. Identifiers: Orphanet 2388, MedGen C0393576, MONDO:0008695, OMIM 200150.

Submission:

Natera, Inc.
Classification: Likely pathogenic for Choreaacanthocytosis. Last evaluated: 2024-06-18. Review status: criteria provided, single submitter. Criteria: Natera Variant Classification Schema (03/2026). Collection method: clinical testing. Allele origin: germline.
Comment: The c.3483delC variant in VPS13A is a frameshift variant predicted to shift the reading frame beginning at codon 1162 and leads to a stop codon 11 codons downstream. This variant is expected to result in nonsense mediated decay, truncation, or a dysfunctional protein product. This variant is rare in the general population with a frequency below the threshold expected for the associated phenotype(s). Given the available evidence, this variant is classified as Likely Pathogenic.